The following is an entry in ClinVar:

ClinVar aggregate classification (germline): Uncertain significance. Review status: criteria provided, multiple submitters, no conflicts (2 of 4 stars). 2 submissions from 2 submitters: Uncertain significance (2). Last evaluated 2025-07-03.

Conditions:
Hereditary cancer-predisposing syndrome. Also called: Neoplastic Syndromes, Hereditary; Tumor predisposition; Hereditary neoplastic syndrome; Hereditary Cancer Syndrome. Identifiers: Orphanet 140162, MedGen C0027672, MeSH D009386, MONDO:0015356.

Allele frequency attached by ClinVar (database versions not stated): gnomAD exomes below 0.00001.
gnomAD v4.1: 1 of 1,614,062 alleles (0.000062%); highest among the groups gnomAD compares: Non-Finnish European, 0.000085%; no homozygotes.

Submissions (2):

GeneDx
Classification: Uncertain significance. Last evaluated: 2025-07-03. Review status: criteria provided, single submitter. Criteria: GeneDx Variant Classification Process June 2021. Collection method: clinical testing. Allele origin: germline. Affected: yes.
Comment: Not observed at significant frequency in large population cohorts (gnomAD); In silico analysis suggests that this missense variant does not alter protein structure/function; Has not been previously published as pathogenic or benign to our knowledge

Ambry Genetics
Classification: Uncertain significance for Hereditary cancer-predisposing syndrome. Last evaluated: 2023-01-17. Review status: criteria provided, single submitter. Criteria: Ambry Variant Classification Scheme 2023. Collection method: clinical testing. Allele origin: germline.
Comment: The p.V1731I variant (also known as c.5191G>A), located in coding exon 23 of the DICER1 gene, results from a G to A substitution at nucleotide position 5191. The valine at codon 1731 is replaced by isoleucine, an amino acid with highly similar properties. This amino acid position is conserved. In addition, the in silico prediction for this alteration is inconclusive. Since supporting evidence is limited at this time, the clinical significance of this alteration remains unclear.

NM_177438.3(DICER1):c.5191G>A (p.Val1731Ile)

Gene: DICER1 (dicer 1, ribonuclease III; minus strand). Cytogenetic location: 14q32.13.
Variant type: single nucleotide variant.
Coding change: c.5191G>A on transcript NM_177438.3 (MANE Select); coding-DNA position 5191, G replaced by A.
Protein change: p.Val1731Ile; replaces valine 1731 with isoleucine.
Molecular consequence: missense variant. On other transcripts: non-coding transcript variant (6).
Genome position (GRCh38, 1-based): chr14:95,094,061, C>T on the plus strand (G>A on the coding strand, the complement: DICER1 is on the minus strand). VCF-style: chr14-95094061-C-T. GRCh37 (hg19) VCF-style: chr14-95560398-C-T.
Other names: c.5191G>A, p.Val1731Ile (NM_001195573.1, NM_001271282.3, NM_001291628.2 and 9 more transcripts); c.4909G>A, p.Val1637Ile (NM_001395686.1); c.4786G>A, p.Val1596Ile (NM_001395687.1, NM_001395688.1, NM_001395689.1 and 1 more transcripts); c.4624G>A, p.Val1542Ile (NM_001395691.1); c.3508G>A, p.Val1170Ile (NM_001395697.1); short protein forms V1637I, V1170I, V1542I, V1596I, V1731I.
Identifiers: ClinVar variation 2451713 (VCV002451713.3), dbSNP rs1555366846, ClinGen allele CA390865244.